The following is an entry in ClinVar:

ClinVar aggregate classification (germline): Uncertain significance (1 of 4 stars; one submission).

gnomAD v4.1: 2 of 1,614,184 alleles (0.00012%); highest among the groups gnomAD compares: Non-Finnish European, 0.00017%; no homozygotes.

Submission:

Labcorp Genetics (formerly Invitae), Labcorp
Classification: Uncertain significance. Last evaluated: 2022-06-10. Review status: criteria provided, single submitter. Criteria: Invitae Variant Classification Sherloc (09022015). Collection method: clinical testing. Allele origin: germline.
Comment: In summary, the available evidence is currently insufficient to determine the role of this variant in disease. Therefore, it has been classified as a Variant of Uncertain Significance. Algorithms developed to predict the effect of missense changes on protein structure and function output the following: SIFT: "Tolerated"; PolyPhen-2: "Benign"; Align-GVGD: "Class C0". The valine amino acid residue is found in multiple mammalian species, which suggests that this missense change does not adversely affect protein function. This variant has not been reported in the literature in individuals affected with LARS2-related conditions. This variant is not present in population databases (gnomAD no frequency). This sequence change replaces isoleucine, which is neutral and non-polar, with valine, which is neutral and non-polar, at codon 461 of the LARS2 protein (p.Ile461Val).

NM_015340.4(LARS2):c.1381A>G (p.Ile461Val)

Genes: LARS2 (leucyl-tRNA synthetase 2, mitochondrial; plus strand), LARS2-AS1 (LARS2 antisense RNA 1; minus strand). Cytogenetic location: 3p21.31.
Variant type: single nucleotide variant.
Coding change: c.1381A>G on transcript NM_015340.4 (MANE Select); coding-DNA position 1381, A replaced by G.
Protein change: p.Ile461Val; replaces isoleucine 461 with valine.
Molecular consequence: missense variant.
Genome position (GRCh38, 1-based): chr3:45,491,658, A>G. VCF-style: chr3-45491658-A-G. GRCh37 (hg19) VCF-style: chr3-45533150-A-G.
Other names: c.1381A>G, p.Ile461Val (NM_001368263.1); short protein forms I461V.
Identifiers: ClinVar variation 2124624 (VCV002124624.4), dbSNP rs2529020649, ClinGen allele CA352425917.